The following is an entry in ClinVar:

ClinVar aggregate classification (germline): Uncertain significance (1 of 4 stars; one submission).

Allele frequency attached by ClinVar (database versions not stated): gnomAD exomes 0.00001.
gnomAD v4.1: 16 of 1,613,996 alleles (0.00099%); highest among the groups gnomAD compares: Non-Finnish European, 0.0014%; no homozygotes.

Submission:

Ambry Genetics
Classification: Uncertain significance. Last evaluated: 2022-05-30. Review status: criteria provided, single submitter. Criteria: Ambry Variant Classification Scheme 2023. Collection method: clinical testing. Allele origin: germline.
Comment: The p.A423V variant (also known as c.1268C>T), located in coding exon 9 of the RINT1 gene, results from a C to T substitution at nucleotide position 1268. The alanine at codon 423 is replaced by valine, an amino acid with similar properties. This amino acid position is conserved. In addition, this alteration is predicted to be tolerated by in silico analysis. Since supporting evidence is limited at this time, the clinical significance of this alteration remains unclear.

NM_021930.6(RINT1):c.1268C>T (p.Ala423Val)

Gene: RINT1 (RAD50 interactor 1; plus strand). Cytogenetic location: 7q22.3.
Variant type: single nucleotide variant.
Coding change: c.1268C>T on transcript NM_021930.6 (MANE Select); coding-DNA position 1268, C replaced by T.
Protein change: p.Ala423Val; replaces alanine 423 with valine.
Molecular consequence: missense variant. On other transcripts: non-coding transcript variant (1).
Genome position (GRCh38, 1-based): chr7:105,550,421, C>T. VCF-style: chr7-105550421-C-T. GRCh37 (hg19) VCF-style: chr7-105190868-C-T.
Other names: c.1034C>T, p.Ala345Val (NM_001346599.2); c.245C>T, p.Ala82Val (NM_001346600.2, NM_001346603.2); c.344C>T, p.Ala115Val (NM_001346601.2); short protein forms A345V, A423V, A115V, A82V.
Identifiers: ClinVar variation 1764585 (VCV001764585.2), dbSNP rs2133402416, ClinGen allele CA368809324.